The following is an entry in ClinVar:

ClinVar aggregate classification (germline): Likely pathogenic (1 of 4 stars; one submission).

Conditions:
Amyotrophic lateral sclerosis type 1 (ALS1). Also called: AMYOTROPHIC LATERAL SCLEROSIS 1, FAMILIAL. Identifiers: Orphanet 803, MedGen C1862939, MONDO:0007103, OMIM 105400.

Submission:

Kariminejad - Najmabadi Pathology & Genetics Center
Classification: Likely pathogenic for Amyotrophic lateral sclerosis type 1. Last evaluated: 2023-06-12. Review status: criteria provided, single submitter. Criteria: ACMG Guidelines, 2015. Collection method: clinical testing. Allele origin: germline. Inheritance: Autosomal dominant inheritance. Affected: yes.
Comment: [PM1 PM2 PP3]+PP2?

NM_000454.5(SOD1):c.200C>G (p.Pro67Arg)

Gene: SOD1 (superoxide dismutase 1; plus strand). Cytogenetic location: 21q22.11.
Variant type: single nucleotide variant.
Coding change: c.200C>G on transcript NM_000454.5 (MANE Select); coding-DNA position 200, C replaced by G.
Protein change: p.Pro67Arg; replaces proline 67 with arginine.
Molecular consequence: missense variant.
Genome position (GRCh38, 1-based): chr21:31,666,479, C>G. VCF-style: chr21-31666479-C-G. GRCh37 (hg19) VCF-style: chr21-33038792-C-G.
Other names: short protein forms P67R.
Identifiers: ClinVar variation 3897013 (VCV003897013.1).